The following is an entry in ClinVar:

NM_001386135.1(AFF3):c.2189C>G (p.Thr730Ser)

Gene: AFF3 (ALF transcription elongation factor 3; minus strand). Cytogenetic location: 2q11.2.
Variant type: single nucleotide variant.
Coding change: c.2189C>G on transcript NM_001386135.1 (MANE Select); coding-DNA position 2189, C replaced by G.
Protein change: p.Thr730Ser; replaces threonine 730 with serine.
Molecular consequence: missense variant.
Genome position (GRCh38, 1-based): chr2:99,593,472, G>C on the plus strand (C>G on the coding strand, the complement: AFF3 is on the minus strand). VCF-style: chr2-99593472-G-C. GRCh37 (hg19) VCF-style: chr2-100209934-G-C.
Other names: c.2264C>G, p.Thr755Ser (NM_001025108.2); c.2189C>G, p.Thr730Ser (NM_002285.3); short protein forms T730S, T755S.
Identifiers: ClinVar variation 5017570 (VCV005017570.1).

ClinVar aggregate classification (germline): Uncertain significance (1 of 4 stars; one submission).

gnomAD v4.1: 19 of 1,614,002 alleles (0.0012%); highest among the groups gnomAD compares: Non-Finnish European, 0.0016%; no homozygotes.

Submission:

GeneDx
Classification: Uncertain significance. Last evaluated: 2026-03-26. Review status: criteria provided, single submitter. Criteria: GeneDx Variant Classification Process June 2021. Collection method: clinical testing. Allele origin: germline.
Comment: Not observed at significant frequency in large population cohorts (gnomAD); In silico analysis suggests that this missense variant does not alter protein structure/function; Has not been previously published as pathogenic or benign to our knowledge